The following is an entry in ClinVar:

ClinVar aggregate classification (germline): Uncertain significance (1 of 4 stars; one submission).

Conditions:
Inborn genetic diseases. Identifiers: MedGen C0950123, MeSH D030342.

Submission:

Ambry Genetics
Classification: Uncertain significance for Inborn genetic diseases. Last evaluated: 2026-05-21. Review status: criteria provided, single submitter. Criteria: Ambry Variant Classification Scheme 2023. Collection method: clinical testing. Allele origin: germline.
Comment: The c.1184-8_1184-3delCTTTTC intronic variant, located in intron 3 of the MBD4 gene, results from a deletion of 6 nucleotides within intron 3 of the MBD4 gene. This nucleotide region is well conserved in available vertebrate species. In silico splice site analysis predicts that this alteration will weaken the native splice acceptor site. Based on the available evidence, the clinical significance of this variant remains unclear.

NM_001276270.2(MBD4):c.1184-8_1184-3del

Gene: MBD4 (methyl-CpG binding domain 4, DNA glycosylase; minus strand). Cytogenetic location: 3q21.3.
Variant type: Microsatellite.
Coding change: c.1184-8_1184-3del on transcript NM_001276270.2 (MANE Select); 8 bases into the intron before coding-DNA position 1184 through 3 bases into the intron before coding-DNA position 1184, 6 bases deleted (CTTTTC; older notation c.1184-8_1184-3delCTTTTC).
Molecular consequence: intron variant.
Genome position (GRCh38, 1-based): chr3:129,434,139-129,434,144, GAAAAG deleted on the plus strand (CTTTTC on the coding strand, the reverse complement: MBD4 is on the minus strand); deleting any 6 consecutive bases within chr3:129,434,139-129,434,150 gives the same sequence; the c. name uses the placement nearest the transcript's 3' end. VCF-style (leftmost placement, unchanged base first): chr3-129434138-TGAAAAG-T. GRCh37 (hg19) VCF-style: chr3-129152981-TGAAAAG-T.
Other names: c.1184-8_1184-3delCTTTTC (NM_001276270.2); c.248-8_248-3del (NM_001276273.2); c.1202-8_1202-3del (NM_001276272.2, NM_003925.3, NM_001276271.2).
Identifiers: ClinVar variation 4859614 (VCV004859614.1).